The following is an entry in ClinVar:

NM_000245.4(MET):c.3620C>G (p.Ala1207Gly)

Gene: MET (MET proto-oncogene, receptor tyrosine kinase; plus strand). Cytogenetic location: 7q31.2.
Variant type: single nucleotide variant.
Coding change: c.3620C>G on transcript NM_000245.4 (MANE Select); coding-DNA position 3620, C replaced by G.
Protein change: p.Ala1207Gly; replaces alanine 1207 with glycine.
Molecular consequence: missense variant.
Genome position (GRCh38, 1-based): chr7:116,782,085, C>G. VCF-style: chr7-116782085-C-G. GRCh37 (hg19) VCF-style: chr7-116422139-C-G.
Other names: c.3674C>G, p.Ala1225Gly (NM_001127500.3); c.2330C>G, p.Ala777Gly (NM_001324402.2); short protein forms A1207G, A1225G, A777G.
Identifiers: ClinVar variation 3232985 (VCV003232985.1), dbSNP rs2117060644, ClinGen allele CA368991233.

ClinVar aggregate classification (germline): Uncertain significance (1 of 4 stars; one submission).

Conditions:
Hereditary cancer-predisposing syndrome. Also called: Neoplastic Syndromes, Hereditary; Tumor predisposition; Hereditary neoplastic syndrome; Hereditary Cancer Syndrome. Identifiers: Orphanet 140162, MedGen C0027672, MeSH D009386, MONDO:0015356.

Submission:

Ambry Genetics
Classification: Uncertain significance for Hereditary cancer-predisposing syndrome. Last evaluated: 2023-11-15. Review status: criteria provided, single submitter. Criteria: Ambry Variant Classification Scheme 2023. Collection method: clinical testing. Allele origin: germline.
Comment: The p.A1225G variant (also known as c.3674C>G), located in coding exon 17 of the MET gene, results from a C to G substitution at nucleotide position 3674. The alanine at codon 1225 is replaced by glycine, an amino acid with similar properties. This amino acid position is highly conserved in available vertebrate species. In addition, this alteration is predicted to be deleterious by in silico analysis. Since supporting evidence is limited at this time, the clinical significance of this alteration remains unclear.